The following is an entry in ClinVar:

ClinVar aggregate classification (germline): Pathogenic (1 of 4 stars; one submission).

Conditions:
Familial thoracic aortic aneurysm and aortic dissection (TAAD). Also called: Thoracic aortic aneurysms and dissections. Identifiers: Orphanet 91387, MedGen C4707243, MONDO:0019625.
Hereditary cancer-predisposing syndrome. Also called: Neoplastic Syndromes, Hereditary; Tumor predisposition; Hereditary neoplastic syndrome; Hereditary Cancer Syndrome. Identifiers: Orphanet 140162, MedGen C0027672, MeSH D009386, MONDO:0015356.

Submission:

Ambry Genetics
Classification: Pathogenic for Hereditary cancer-predisposing syndrome; Familial thoracic aortic aneurysm and aortic dissection. Last evaluated: 2022-11-23. Review status: criteria provided, single submitter. Criteria: Ambry Variant Classification Scheme 2023. Collection method: clinical testing. Allele origin: germline.
Comment: The c.794dupC pathogenic mutation, located in coding exon 6 of the SMAD4 gene, results from a duplication of C at nucleotide position 794, causing a translational frameshift with a predicted alternate stop codon (p.T266Yfs*7). This variant is considered to be rare based on population cohorts in the Genome Aggregation Database (gnomAD). This alteration is expected to result in loss of function by premature protein truncation or nonsense-mediated mRNA decay. As such, this alteration is interpreted as a disease-causing mutation.

NM_005359.6(SMAD4):c.794dup (p.Thr266fs)

Gene: SMAD4 (SMAD family member 4; plus strand). Cytogenetic location: 18q21.2.
Variant type: Duplication.
Coding change: c.794dup on transcript NM_005359.6 (MANE Select); coding-DNA position 794, one base duplicated (C; older notation c.794dupC).
Protein change: p.Thr266fs; shifts the reading frame from threonine 266.
Molecular consequence: frameshift variant. On other transcripts: non-coding transcript variant (2).
Genome position (GRCh38, 1-based): chr18:51,058,346, C duplicated. VCF-style (leftmost placement, unchanged base first): chr18-51058345-A-AC. GRCh37 (hg19) VCF-style: chr18-48584715-A-AC.
Other names: c.794dup, p.Thr266fs (NM_001407041.1, NM_001407042.1, NM_001407043.1); c.794dupC (NM_005359.5); short protein forms T266fs.
Identifiers: ClinVar variation 2452506 (VCV002452506.2), dbSNP rs2511377137, ClinGen allele CA2580095839.
Genomic context (GRCh38, chr18:51,058,345, plus strand): 5'-AAAAGTAGGCAGCCTTTATAAAAGCAAATTAACCCATGTGGGCCTTAATTTTTAGACAGC[A>AC]CTACCACCTGGACTGGAAGTAGGACTGCACCATACACACCTAATTTGCCTCACCACCAAA-3'